The following continues an entry in ClinVar:

NM_001267550.2(TTN):c.67495C>T (p.Arg22499Ter)

ClinVar aggregate classification (germline): Pathogenic/Likely pathogenic. Pathogenic (12); Likely pathogenic (4).

Submissions 8 to 18 of 18:

Illumina Laboratory Services, Illumina
Classification: Likely pathogenic for Primary dilated cardiomyopathy. Last evaluated: 2024-03-18. Review status: criteria provided, single submitter. Criteria: ICSLVariantClassificationCriteria RUGD 01 April 2020. Collection method: clinical testing. Allele origin: unknown.
Comment: The TTN c.67495C>T p.(Arg22499Ter) nonsense variant, also referred to as p.(Arg20858Ter), is expected to result in the loss of normal protein function through either protein truncation or nonsense-mediated mRNA decay. This variant is located in exon 319 of the meta transcript of titin within the A-band, which is highly expressed in cardiac tissue (PMID: 25589632). In a meta-analysis of TTN truncating variants in DCM patients and controls, variants in this region were associated with a significantly increased risk of developing DCM (odds ratio 49.8) (PMID: 27869827). This variant has been identified in individuals with DCM (PMID: 22335739; 25589632; 34315225). This variant is not observed at a significant frequency in version 2.1.1 or version 4.0.0 of the Genome Aggregation Database. Based on the available evidence, the c.67495C>T p.(Arg22499Ter) variant is classified as likely pathogenic for dilated cardiomyopathy.

Muscle and Diseases Team, Institut de Génétique et Biologie Moléculaire et Cellulaire
Classification: Pathogenic for Centronuclear myopathy. Last evaluated: 2024-03-01. Review status: criteria provided, single submitter. Criteria: ACMG Guidelines, 2015. Collection method: research. Allele origin: maternal. Affected: yes. Observed: 1 variant allele.
Comment: PVS1+PM2+PP1

Ambry Genetics
Classification: Pathogenic for Cardiovascular phenotype. Last evaluated: 2023-01-06. Review status: criteria provided, single submitter. Criteria: Ambry Variant Classification Scheme 2023. Collection method: clinical testing. Allele origin: germline.
Comment: The p.R13434* pathogenic mutation (also known as c.40300C>T), located in coding exon 146 of the TTN gene, results from a C to T substitution at nucleotide position 40300. This changes the amino acid from an arginine to a stop codon within coding exon 146. This exon is located in the A-band region of the N2-B isoform of the titin protein and is constitutively expressed in TTN transcripts (percent spliced in or PSI 100%). This alteration (also noted as c.62572C>T and c.67495C>T) has been reported in subjects with dilated cardiomyopathy (DCM) (Herman DS et al. N. Engl. J. Med., 2012 Feb;366:619-28; Roberts AM et al. Sci Transl Med, 2015 Jan;7:270ra6). This alteration is expected to result in loss of function by premature protein truncation or nonsense-mediated mRNA decay. While truncating variants in TTN are present in 1-3% of the general population, truncating variants in the A-band are the most common cause of dilated cardiomyopathy (DCM) (Herman DS et al. N. Engl. J. Med., 2012 Feb;366:619-28; Roberts AM et al. Sci Transl Med, 2015 Jan;7:270ra6). TTN truncating variants encoded in constitutive exons (PSI >90%) have been found to be significantly associated with DCM regardless of their position in titin (Schafer S et al. Nat. Genet., 2017 01;49:46-53). Based on the supporting evidence, this alteration is interpreted as a disease-causing mutation.

Revvity Omics, Revvity
Classification: Likely pathogenic. Last evaluated: 2021-11-23. Review status: criteria provided, single submitter. Criteria: ACMG Guidelines, 2015. Collection method: clinical testing. Allele origin: germline.

Fulgent Genetics
Classification: Pathogenic for Tibial muscular dystrophy; Myopathy, myofibrillar, 9, with early respiratory failure; Dilated cardiomyopathy 1G; Autosomal recessive limb-girdle muscular dystrophy type 2J; Early-onset myopathy with fatal cardiomyopathy; Hypertrophic cardiomyopathy 9. Last evaluated: 2021-10-09. Review status: criteria provided, single submitter. Criteria: ACMG Guidelines, 2015. Collection method: clinical testing. Allele origin: unknown.

Athena Diagnostics
Classification: Pathogenic. Last evaluated: 2020-12-23. Review status: criteria provided, single submitter. Criteria: Athena Diagnostics criteria. Collection method: clinical testing. Allele origin: unknown.
Comment: This variant is expected to result in the loss of a functional protein. The frequency of this variant in the general population is consistent with pathogenicity. This variant occurs in the A-band of the TTN gene, and is a nonsense variant in three main isoforms (major cardiac long isoform: NM_001256850.1, major skeletal muscle long isoform: NM_133378.4, and the inferred complete isoform: NM_001267550.1). Truncating variants in TTN occur significantly more often in the A-band of cardiomyopathy patients, and in the M-band of muscular dystrophy patients, compared to the general population (PMID: 255289632). Nonsense and other truncating variants in TTN have been reported in patients with dominant cardiomyopathy, dominant tibial muscular dystrophy, recessive salih myopathy, recessive limb-girdle muscular dystrophy, and recessive centronuclear myopathy (OMIM# 188840). However, these types of variants have also been found in healthy individuals (PMID: 25589632). This variant has been identified in at least one individual with dilated cardiomyopathy (DCM) (PMID: 22335739, 25589632).

Eurofins Ntd Llc (ga)
Classification: Likely pathogenic. Last evaluated: 2018-06-14. Review status: criteria provided, single submitter. Criteria: EGL ClinVar v180209 classification definitions. Collection method: clinical testing. Allele origin: germline. Observed: 2 variant alleles, 2 heterozygotes.

Baylor Genetics
Classification: Pathogenic for Myopathy, myofibrillar, 9, with early respiratory failure; Hypertrophic cardiomyopathy 9; Dilated cardiomyopathy 1G; Tibial muscular dystrophy; Autosomal recessive limb-girdle muscular dystrophy type 2J; Early-onset myopathy with fatal cardiomyopathy. Last evaluated: 2017-09-01. Review status: criteria provided, single submitter. Criteria: ACMG Guidelines, 2015. Collection method: clinical testing. Allele origin: germline. Inheritance: Autosomal unknown.

Cardiovascular Biomedical Research Unit, Royal Brompton & Harefield NHS Foundation Trust
Classification: Likely pathogenic for Primary dilated cardiomyopathy. Last evaluated: 2014-10-08. Review status: criteria provided, single submitter. Criteria: Roberts et al. 2015. Collection method: research. Allele origin: germline. Inheritance: Autosomal dominant inheritance. Affected: yes. Observed: 1 variant allele. Study: Endstage DCM.
Comment: In the seven cohorts assessed, TTNtv were found in 14% of ambulant DCM, 22% end-stage or familial DCM, and 2% controls. Heterozygous nonsense, frameshift and canonical splice-disrupting variants found in constitutive and other highly utilised exons are highly likely to be pathogenic when identified in individuals with phenotypically confirmed DCM. TTNtv found incidentally in healthy individuals (excluding familial assessment of DCM relatives) are thought to have low penetrance, particularly when identified in exons that are not constitutively expressed in the heart.

Clinical Genetics Laboratory, University Hospital Schleswig-Holstein
Classification: Pathogenic for Dilated cardiomyopathy 1G. Last evaluated: 2024-03-13. Review status: no assertion criteria provided. Collection method: clinical testing. Allele origin: germline. Affected: yes. Not counted in ClinVar's aggregate classification.

Cardiogenetics and Myogenetics Molecular and Cellular Functional Unit, Aphp Sorbonne University-Hopital Pitie Salpetriere
Classification: Pathogenic for Dilated cardiomyopathy 1G. Last evaluated: 2024-01-06. Review status: no assertion criteria provided. Collection method: clinical testing. Allele origin: germline. Affected: yes. Not counted in ClinVar's aggregate classification.

Literature cited by the submitters: PubMed 25589632 (cited by 7 submitters); PubMed 34935411 (cited by Women's Health and Genetics/Laboratory Corporation of America, LabCorp and Labcorp Genetics (formerly Invitae), Labcorp); PubMed 22335739 (cited by 6 submitters); PubMed 34315225 (cited by Women's Health and Genetics/Laboratory Corporation of America, LabCorp and Illumina Laboratory Services, Illumina); PubMed 38982518 (cited by Women's Health and Genetics/Laboratory Corporation of America, LabCorp); PubMed 39472908 (cited by Women's Health and Genetics/Laboratory Corporation of America, LabCorp); PubMed 39333429 (cited by Women's Health and Genetics/Laboratory Corporation of America, LabCorp); PubMed 27437901 (cited by Women's Health and Genetics/Laboratory Corporation of America, LabCorp and Athena Diagnostics); PubMed 23975875 (cited by Labcorp Genetics (formerly Invitae), Labcorp); PubMed 27869827 (cited by Illumina Laboratory Services, Illumina); DOI 10.1186/s13073-024-01353-0 (cited by Muscle and Diseases Team, Institut de Génétique et Biologie Moléculaire et Cellulaire); PubMed 27437900 (cited by Athena Diagnostics); PubMed 25326635 (cited by Baylor Genetics).